The following is an entry in ClinVar:

NM_000098.3(CPT2):c.1327A>G (p.Ile443Val)

Gene: CPT2 (carnitine palmitoyltransferase 2; plus strand). Cytogenetic location: 1p32.3.
Variant type: single nucleotide variant.
Coding change: c.1327A>G on transcript NM_000098.3 (MANE Select); coding-DNA position 1327, A replaced by G.
Protein change: p.Ile443Val; replaces isoleucine 443 with valine.
Molecular consequence: missense variant.
Genome position (GRCh38, 1-based): chr1:53,211,001, A>G. VCF-style: chr1-53211001-A-G. GRCh37 (hg19) VCF-style: chr1-53676673-A-G.
Other names: c.1327A>G, p.Ile443Val (NM_001330589.2); short protein forms I443V.
Identifiers: ClinVar variation 1385915 (VCV001385915.6), dbSNP rs774644103, ClinGen allele CA859175.

ClinVar aggregate classification (germline): Uncertain significance (1 of 4 stars; one submission).

Conditions:
Carnitine palmitoyltransferase II deficiency. Also called: Carnitine Palmitoyltransferase 2 Deficiency. Identifiers: Orphanet 157, MedGen C0342790, MONDO:0015515.

Allele frequency attached by ClinVar (database versions not stated): gnomAD exomes below 0.00001 and 0.00001; TOPMed 0.00001; ExAC 0.00002.

Submission:

Labcorp Genetics (formerly Invitae), Labcorp
Classification: Uncertain significance for Carnitine palmitoyltransferase II deficiency. Last evaluated: 2021-10-10. Review status: criteria provided, single submitter. Criteria: Invitae Variant Classification Sherloc (09022015). Collection method: clinical testing. Allele origin: germline.
Comment: In summary, the available evidence is currently insufficient to determine the role of this variant in disease. Therefore, it has been classified as a Variant of Uncertain Significance. Advanced modeling of protein sequence and biophysical properties (such as structural, functional, and spatial information, amino acid conservation, physicochemical variation, residue mobility, and thermodynamic stability) performed at Invitae indicates that this missense variant is not expected to disrupt CPT2 protein function. This variant has not been reported in the literature in individuals affected with CPT2-related conditions. This variant is present in population databases (rs774644103, ExAC 0.01%). This sequence change replaces isoleucine with valine at codon 443 of the CPT2 protein (p.Ile443Val). The isoleucine residue is weakly conserved and there is a small physicochemical difference between isoleucine and valine.